The following is an entry in ClinVar:

NM_000059.4(BRCA2):c.4879C>A (p.Leu1627Ile)

Gene: BRCA2 (BRCA2 DNA repair associated; plus strand). Cytogenetic location: 13q13.1.
Variant type: single nucleotide variant.
Coding change: c.4879C>A on transcript NM_000059.4 (MANE Select); coding-DNA position 4879, C replaced by A.
Protein change: p.Leu1627Ile; replaces leucine 1627 with isoleucine.
Molecular consequence: missense variant.
Genome position (GRCh38, 1-based): chr13:32,339,234, C>A. VCF-style: chr13-32339234-C-A. GRCh37 (hg19) VCF-style: chr13-32913371-C-A.
Other names: short protein forms L1627I.
Identifiers: ClinVar variation 1677162 (VCV001677162.4), dbSNP rs2137511207, ClinGen allele CA387783487.

ClinVar aggregate classification (germline): Conflicting classifications of pathogenicity. Review status: criteria provided, conflicting classifications (1 of 4 stars). 2 submissions from 2 submitters: Uncertain significance (1); Likely benign (1). Last evaluated 2025-10-10.

Conditions:
Hereditary cancer-predisposing syndrome. Also called: Hereditary neoplastic syndrome; Neoplastic Syndromes, Hereditary; Tumor predisposition; Hereditary Cancer Syndrome. Identifiers: Orphanet 140162, MedGen C0027672, MeSH D009386, MONDO:0015356.

Submissions (2):

Women's Health and Genetics/Laboratory Corporation of America, LabCorp
Classification: Uncertain significance. Last evaluated: 2025-10-10. Review status: criteria provided, single submitter. Criteria: LabCorp Variant Classification Summary - May 2015. Collection method: clinical testing. Allele origin: germline.
Comment: Variant summary: BRCA2 c.4879C>A (p.Leu1627Ile) results in a conservative amino acid change in the encoded protein sequence. Algorithms developed to predict the effect of missense changes on protein structure and function all suggest that this variant is likely to be tolerated. The variant was absent in 249372 control chromosomes. The available data on variant occurrences in the general population are insufficient to allow any conclusion about variant significance. To our knowledge, no occurrence of c.4879C>A in individuals affected with BRCA2-related conditions and no experimental evidence demonstrating its impact on protein function have been reported. ClinVar contains an entry for this variant (Variation ID: 1677162). Based on the evidence outlined above, the variant was classified as uncertain significance.

University of Washington Department of Laboratory Medicine, University of Washington
Classification: Likely benign for Hereditary cancer-predisposing syndrome. Last evaluated: 2023-03-23. Review status: criteria provided, single submitter. Criteria: Dines et al. (Genet Med. 2020). Collection method: curation. Allele origin: germline.
Comment: Missense variant in a coldspot region where missense variants are very unlikely to be pathogenic (PMID:31911673).

BRCA2 exon 11 coldspot. Reclassification based on statistical prior probability.